The following is an entry in ClinVar:

NM_005076.5(CNTN2):c.1870A>G (p.Ile624Val)

Gene: CNTN2 (contactin 2; plus strand). Cytogenetic location: 1q32.1.
Variant type: single nucleotide variant.
Coding change: c.1870A>G on transcript NM_005076.5 (MANE Select); coding-DNA position 1870, A replaced by G.
Protein change: p.Ile624Val; replaces isoleucine 624 with valine.
Molecular consequence: missense variant. On other transcripts: non-coding transcript variant (1).
Genome position (GRCh38, 1-based): chr1:205,066,494, A>G. VCF-style: chr1-205066494-A-G. GRCh37 (hg19) VCF-style: chr1-205035622-A-G.
Other names: c.1870A>G, p.Ile624Val (NM_001346083.2); short protein forms I624V.
Identifiers: ClinVar variation 2121388 (VCV002121388.4), dbSNP rs1654297161, ClinGen allele CA344376239.

ClinVar aggregate classification (germline): Uncertain significance (1 of 4 stars; one submission).

Conditions:
Epilepsy, familial adult myoclonic, 5 (EPEO5). Also called: CORTICAL MYOCLONIC TREMOR WITH EPILEPSY, FAMILIAL, 5. Identifiers: Orphanet 86814, MedGen C3809374, MONDO:0014167, OMIM 615400.

Allele frequency attached by ClinVar (database versions not stated): gnomAD 0.00001; TOPMed 0.00001.
gnomAD v4.1: 9 of 1,613,944 alleles (0.00056%); highest among the groups gnomAD compares: Non-Finnish European, 0.00076%; no homozygotes.

Submission:

Labcorp Genetics (formerly Invitae), Labcorp
Classification: Uncertain significance for Epilepsy, familial adult myoclonic, 5. Last evaluated: 2022-08-07. Review status: criteria provided, single submitter. Criteria: Invitae Variant Classification Sherloc (09022015). Collection method: clinical testing. Allele origin: germline.
Comment: Advanced modeling of protein sequence and biophysical properties (such as structural, functional, and spatial information, amino acid conservation, physicochemical variation, residue mobility, and thermodynamic stability) performed at Invitae indicates that this missense variant is not expected to disrupt CNTN2 protein function. This variant has not been reported in the literature in individuals affected with CNTN2-related conditions. This variant is not present in population databases (gnomAD no frequency). This sequence change replaces isoleucine, which is neutral and non-polar, with valine, which is neutral and non-polar, at codon 624 of the CNTN2 protein (p.Ile624Val). In summary, the available evidence is currently insufficient to determine the role of this variant in disease. Therefore, it has been classified as a Variant of Uncertain Significance.